The following is an entry in ClinVar:

NM_000059.4(BRCA2):c.2860G>A (p.Glu954Lys)

Gene: BRCA2 (BRCA2 DNA repair associated; plus strand). Cytogenetic location: 13q13.1.
Variant type: single nucleotide variant.
Coding change: c.2860G>A on transcript NM_000059.4 (MANE Select); coding-DNA position 2860, G replaced by A.
Protein change: p.Glu954Lys; replaces glutamic acid 954 with lysine.
Molecular consequence: missense variant.
Genome position (GRCh38, 1-based): chr13:32,337,215, G>A. VCF-style: chr13-32337215-G-A. GRCh37 (hg19) VCF-style: chr13-32911352-G-A.
Other names: short protein forms E954K.
Identifiers: ClinVar variation 438963 (VCV000438963.7), dbSNP rs1555282911, ClinGen allele CA387773971.

ClinVar aggregate classification (germline): Conflicting classifications of pathogenicity. Review status: criteria provided, conflicting classifications (1 of 4 stars). 3 submissions from 3 submitters: Uncertain significance (2); Likely benign (1). Last evaluated 2024-01-28.

Conditions:
Hereditary cancer-predisposing syndrome. Also called: Hereditary neoplastic syndrome; Hereditary Cancer Syndrome; Tumor predisposition; Neoplastic Syndromes, Hereditary. Identifiers: Orphanet 140162, MedGen C0027672, MeSH D009386, MONDO:0015356.
Hereditary breast ovarian cancer syndrome. Also called: Breast and ovarian cancer; Hereditary breast and ovarian cancer; BRCA1- and BRCA2-Associated Hereditary Breast and Ovarian Cancer; Hereditary breast and/or ovarian cancer syndrome; Hereditary breast and ovarian cancer syndrome; Hereditary breast and ovarian cancer syndrome (HBOC). Identifiers: Orphanet 145, MedGen C0677776, MeSH D061325, MONDO:0003582. Disease mechanism: loss of function.

Submissions (3):

Labcorp Genetics (formerly Invitae), Labcorp
Classification: Uncertain significance for Hereditary breast ovarian cancer syndrome. Last evaluated: 2024-01-28. Review status: criteria provided, single submitter. Criteria: Invitae Variant Classification Sherloc (09022015). Collection method: clinical testing. Allele origin: germline.
Comment: This sequence change replaces glutamic acid, which is acidic and polar, with lysine, which is basic and polar, at codon 954 of the BRCA2 protein (p.Glu954Lys). This variant is not present in population databases (gnomAD no frequency). This variant has not been reported in the literature in individuals affected with BRCA2-related conditions. ClinVar contains an entry for this variant (Variation ID: 438963). Advanced modeling of protein sequence and biophysical properties (such as structural, functional, and spatial information, amino acid conservation, physicochemical variation, residue mobility, and thermodynamic stability) performed at Invitae indicates that this missense variant is not expected to disrupt BRCA2 protein function with a negative predictive value of 95%. In summary, the available evidence is currently insufficient to determine the role of this variant in disease. Therefore, it has been classified as a Variant of Uncertain Significance.

University of Washington Department of Laboratory Medicine, University of Washington
Classification: Likely benign for Hereditary cancer-predisposing syndrome. Last evaluated: 2023-03-23. Review status: criteria provided, single submitter. Criteria: Dines et al. (Genet Med. 2020). Collection method: curation. Allele origin: germline.
Comment: Missense variant in a coldspot region where missense variants are very unlikely to be pathogenic (PMID:31911673).

BRCA2 exon 11 coldspot. Reclassification based on statistical prior probability.

Quest Diagnostics Nichols Institute San Juan Capistrano
Classification: Uncertain significance. Last evaluated: 2016-11-28. Review status: criteria provided, single submitter. Criteria: Quest Diagnostics criteria. Collection method: clinical testing. Allele origin: germline.